The following is an entry in ClinVar:

NM_000384.3(APOB):c.6975T>A (p.Ile2325=)

Gene: APOB (apolipoprotein B; minus strand). Cytogenetic location: 2p24.1.
Variant type: single nucleotide variant.
Coding change: c.6975T>A on transcript NM_000384.3 (MANE Select); coding-DNA position 6975, T replaced by A.
Protein change: p.Ile2325=; no amino-acid change (isoleucine 2325 retained).
Molecular consequence: synonymous variant.
Genome position (GRCh38, 1-based): chr2:21,009,893, A>T on the plus strand (T>A on the coding strand, the complement: APOB is on the minus strand). VCF-style: chr2-21009893-A-T. GRCh37 (hg19) VCF-style: chr2-21232765-A-T.
Identifiers: ClinVar variation 925837 (VCV000925837.8), dbSNP rs1312095351, ClinGen allele CA425345509.
Genomic context (GRCh38, chr2:21,009,893, plus strand): 5'-GATTAACTCATGGACTTTGGCTCTGAAGGCATTGATTTTCTCAGCTACTTCAAAATCCCC[A>T]ATAAGATTTATAACAAAGTGTTTGACATGCTCAAGAATGTCATTTATTCTTTCAAATGAA-3'
Protein context (NP_000375.3, residues 2315-2335): EHVKHFVINL[Ile2325=]GDFEVAEKIN

ClinVar aggregate classification (germline): Likely benign. Review status: criteria provided, multiple submitters, no conflicts (2 of 4 stars). 2 submissions from 2 submitters: Likely benign (2). Last evaluated 2026-05-03.

Conditions:
Familial hypobetalipoproteinemia 1. Also called: APOB-Related Familial Hypobetalipoproteinemia; Hypobetalipoproteinemia, normotriglyceridemic; Acanthocytosis with hypobetalipoproteinemia. Identifiers: MedGen C4551990, MONDO:0014252, OMIM 615558.
Hypercholesterolemia, autosomal dominant, type B (FHCL2). Also called: Hyperlipoproteinemia Type IIb; Familial Hypercholesterolemia Type B; APOLIPOPROTEIN B-100, FAMILIAL DEFECTIVE; APOLIPOPROTEIN B-100, FAMILIAL LIGAND-DEFECTIVE; Familial hypercholesterolemia 2; HYPERCHOLESTEROLEMIA, FAMILIAL, DUE TO LIGAND-DEFECTIVE APOLIPOPROTEIN B. Identifiers: MedGen C1704417, MONDO:0007751, OMIM 144010.
APOB-related disorder. Also called: APOB-related condition; APOB-related disorders.

Allele frequency attached by ClinVar (database versions not stated): gnomAD exomes below 0.00001; TOPMed 0.00001; gnomAD 0.00002.
gnomAD v4.1: 5 of 1,613,882 alleles (0.00031%); highest among the groups gnomAD compares: Non-Finnish European, 0.00042%; no homozygotes.

Submissions (2):

PreventionGenetics, part of Exact Sciences
Classification: Likely benign for APOB-related condition. Last evaluated: 2026-05-03. Review status: criteria provided, single submitter. Criteria: ACMG Guidelines, 2015. Collection method: clinical testing. Allele origin: germline.
Comment: This variant is classified as likely benign based on ACMG/AMP sequence variant interpretation guidelines (Richards et al. 2015 PMID: 25741868, with internal and published modifications).

Labcorp Genetics (formerly Invitae), Labcorp
Classification: Likely benign for Familial hypobetalipoproteinemia 1; Hypercholesterolemia, autosomal dominant, type B. Last evaluated: 2024-03-01. Review status: criteria provided, single submitter. Criteria: Invitae Variant Classification Sherloc (09022015). Collection method: clinical testing. Allele origin: germline.